The following is an entry in ClinVar:

NM_000059.4(BRCA2):c.9145T>G (p.Tyr3049Asp)

Gene: BRCA2 (BRCA2 DNA repair associated; plus strand). Cytogenetic location: 13q13.1.
Variant type: single nucleotide variant.
Coding change: c.9145T>G on transcript NM_000059.4 (MANE Select); coding-DNA position 9145, T replaced by G.
Protein change: p.Tyr3049Asp; replaces tyrosine 3049 with aspartic acid.
Molecular consequence: missense variant.
Genome position (GRCh38, 1-based): chr13:32,380,034, T>G. VCF-style: chr13-32380034-T-G. GRCh37 (hg19) VCF-style: chr13-32954171-T-G.
Other names: short protein forms Y3049D.
Identifiers: ClinVar variation 1351676 (VCV001351676.8), dbSNP rs202102902, ClinGen allele CA387757883.

ClinVar aggregate classification (germline): Uncertain significance (1 of 4 stars; one submission).

Conditions:
Hereditary breast ovarian cancer syndrome. Also called: BRCA1- and BRCA2-Associated Hereditary Breast and Ovarian Cancer; Hereditary breast and ovarian cancer; Hereditary breast and ovarian cancer syndrome; Hereditary breast and ovarian cancer syndrome (HBOC); Breast and ovarian cancer; Hereditary breast and/or ovarian cancer syndrome. Identifiers: Orphanet 145, MedGen C0677776, MeSH D061325, MONDO:0003582. Disease mechanism: loss of function.

Submission:

Labcorp Genetics (formerly Invitae), Labcorp
Classification: Uncertain significance for Hereditary breast ovarian cancer syndrome. Last evaluated: 2020-11-26. Review status: criteria provided, single submitter. Criteria: Invitae Variant Classification Sherloc (09022015). Collection method: clinical testing. Allele origin: germline.
Comment: In summary, the available evidence is currently insufficient to determine the role of this variant in disease. Therefore, it has been classified as a Variant of Uncertain Significance. Advanced modeling of protein sequence and biophysical properties (such as structural, functional, and spatial information, amino acid conservation, physicochemical variation, residue mobility, and thermodynamic stability) performed at Invitae indicates that this missense variant is not expected to disrupt BRCA2 protein function. This variant has not been reported in the literature in individuals with BRCA2-related conditions. This variant is not present in population databases (ExAC no frequency). This sequence change replaces tyrosine with aspartic acid at codon 3049 of the BRCA2 protein (p.Tyr3049Asp). The tyrosine residue is moderately conserved and there is a large physicochemical difference between tyrosine and aspartic acid.